The following is an entry in ClinVar:

ClinVar aggregate classification (germline): Uncertain significance (1 of 4 stars; one submission).

Submission:

GeneDx
Classification: Uncertain significance. Last evaluated: 2025-08-04. Review status: criteria provided, single submitter. Criteria: GeneDx Variant Classification Process June 2021. Collection method: clinical testing. Allele origin: germline. Affected: yes.
Comment: In silico analysis suggests that this missense variant does not alter protein structure/function; Has not been previously published as pathogenic or benign to our knowledge

NM_001373.1:c.9407G>A

Gene: DNAH14 (dynein axonemal heavy chain 14; plus strand).
Variant type: single nucleotide variant.
Identifiers: ClinVar variation 4755792 (VCV004755792.1).